The following continues an entry in ClinVar:

NM_024675.4(PALB2):c.2964del (p.Gln988_Val989insTer)

Gene: PALB2. ClinVar aggregate classification (germline): Pathogenic/Likely pathogenic. Pathogenic (17); Likely pathogenic (1).

Submissions 11 to 18 of 18:

Blueprint Genetics
Classification: Pathogenic for PALB2-related disorders. Last evaluated: 2023-11-08. Review status: criteria provided, single submitter. Criteria: ACMG Guidelines, 2015. Collection method: clinical testing. Allele origin: germline. Affected: yes. Observed: 1 variant allele.

Myriad Genetics, Inc.
Classification: Pathogenic for Familial cancer of breast. Last evaluated: 2023-09-14. Review status: criteria provided, single submitter. Criteria: Myriad Autosomal Dominant, Autosomal Recessive and X-Linked Classification Criteria (2023). Collection method: clinical testing. Allele origin: unknown.
Comment: This variant is considered pathogenic. This variant creates a termination codon and is predicted to result in premature protein truncation.

Color Diagnostics, LLC DBA Color Health
Classification: Pathogenic for Hereditary cancer-predisposing syndrome. Last evaluated: 2023-08-31. Review status: criteria provided, single submitter. Criteria: ACMG Guidelines, 2015. Collection method: clinical testing. Allele origin: germline.
Comment: This variant deletes 1 nucleotide in exon 9 of the PALB2 gene, creating a frameshift and premature translation stop signal. This variant is expected to result in an absent or non-functional protein product. To our knowledge, functional studies have not been reported for this variant. This variant has been reported in individuals and families affected with breast and ovarian cancer (PMID: 27907908, 28152038, 30675318, 31125277, 33471991; Leiden Open Variation Database DB-ID PALB2_010810; Color internal data). This variant has not been identified in the general population by the Genome Aggregation Database (gnomAD). Loss of PALB2 function is a known mechanism of disease. Based on the available evidence, this variant is classified as Pathogenic.

GeneDx
Classification: Pathogenic. Last evaluated: 2023-08-28. Review status: criteria provided, single submitter. Criteria: GeneDx Variant Classification Process June 2021. Collection method: clinical testing. Allele origin: germline. Affected: yes.
Comment: Nonsense variant predicted to result in protein truncation or nonsense mediated decay in a gene for which loss of function is a known mechanism of disease; Not observed at significant frequency in large population cohorts (gnomAD); Truncating variants in this gene are considered pathogenic by a well-established clinical consortium and/or database; This variant is associated with the following publications: (PMID: 28152038, 31125277, 30675318, 33471991, 35451682, 35610400)

Quest Diagnostics Nichols Institute San Juan Capistrano
Classification: Pathogenic. Last evaluated: 2022-10-24. Review status: criteria provided, single submitter. Criteria: Quest Diagnostics criteria. Collection method: clinical testing. Allele origin: unknown.
Comment: This nonsense variant causes the premature termination of PALB2 protein synthesis. This variant has not been reported in large, multi-ethnic general populations. In the published literature, the variant has been reported in individuals with hereditary breast and ovarian cancer (PMID: 30675318 (2019), 31125277 (2019), 33471991 (2021)). Based on the available information, this variant is classified as pathogenic.

Fulgent Genetics
Classification: Pathogenic for Familial cancer of breast; Fanconi anemia complementation group N; Pancreatic cancer, susceptibility to, 3. Last evaluated: 2022-01-29. Review status: criteria provided, single submitter. Criteria: ACMG Guidelines, 2015. Collection method: clinical testing. Allele origin: unknown.

Mendelics
Classification: Pathogenic for Hereditary cancer-predisposing syndrome. Last evaluated: 2018-07-02. Review status: criteria provided, single submitter. Criteria: Mendelics Assertion Criteria 2017. Collection method: clinical testing. Allele origin: unknown.

Genetic Services Laboratory, University of Chicago
Classification: Pathogenic for {Breast cancer, susceptibility to}. Last evaluated: 2016-01-04. Review status: criteria provided, single submitter. Criteria: ACMG Guidelines, 2015. Collection method: clinical testing. Allele origin: germline. Affected: yes.

Literature cited by the submitters: PubMed 31125277 (cited by 5 submitters); PubMed 35980532 (cited by Women's Health and Genetics/Laboratory Corporation of America, LabCorp); PubMed 17200668 (cited by 3 submitters); PubMed 17200671 (cited by Labcorp Genetics (formerly Invitae), Labcorp); PubMed 17200672 (cited by Labcorp Genetics (formerly Invitae), Labcorp and Institute for Genomic Medicine (IGM) Clinical Laboratory, Nationwide Children's Hospital); PubMed 24136930 (cited by Labcorp Genetics (formerly Invitae), Labcorp and Institute for Genomic Medicine (IGM) Clinical Laboratory, Nationwide Children's Hospital); PubMed 25099575 (cited by 3 submitters); PubMed 31841383 (cited by Dasa); PubMed 33471991 (cited by 4 submitters); PubMed 19609323 (cited by Institute for Genomic Medicine (IGM) Clinical Laboratory, Nationwide Children's Hospital); PubMed 19584259 (cited by Institute for Genomic Medicine (IGM) Clinical Laboratory, Nationwide Children's Hospital); PubMed 30675318 (cited by 4 submitters); PubMed 32554798 (cited by Institute for Genomic Medicine (IGM) Clinical Laboratory, Nationwide Children's Hospital); PubMed 23448497 (cited by Institute for Genomic Medicine (IGM) Clinical Laboratory, Nationwide Children's Hospital); PubMed 21285249 (cited by Institute for Genomic Medicine (IGM) Clinical Laboratory, Nationwide Children's Hospital); PubMed 27907908 (cited by Color Diagnostics, LLC DBA Color Health); PubMed 28152038 (cited by Color Diagnostics, LLC DBA Color Health and Quest Diagnostics Nichols Institute San Juan Capistrano).